The following is an entry in ClinVar:

ClinVar aggregate classification (germline): Uncertain significance (1 of 4 stars; one submission).

Allele frequency attached by ClinVar (database versions not stated): gnomAD exomes below 0.00001; gnomAD 0.00001.
gnomAD v4.1: 7 of 1,614,098 alleles (0.00043%); highest among the groups gnomAD compares: Non-Finnish European, 0.00059%; no homozygotes.

Submission:

Labcorp Genetics (formerly Invitae), Labcorp
Classification: Uncertain significance. Last evaluated: 2023-08-16. Review status: criteria provided, single submitter. Criteria: Invitae Variant Classification Sherloc (09022015). Collection method: clinical testing. Allele origin: germline.
Comment: This sequence change replaces threonine, which is neutral and polar, with isoleucine, which is neutral and non-polar, at codon 749 of the IGF1R protein (p.Thr749Ile). In summary, the available evidence is currently insufficient to determine the role of this variant in disease. Therefore, it has been classified as a Variant of Uncertain Significance. Advanced modeling of protein sequence and biophysical properties (such as structural, functional, and spatial information, amino acid conservation, physicochemical variation, residue mobility, and thermodynamic stability) performed at Invitae indicates that this missense variant is not expected to disrupt IGF1R protein function. This variant has not been reported in the literature in individuals affected with IGF1R-related conditions. This variant is not present in population databases (gnomAD no frequency).

NM_000875.5(IGF1R):c.2246C>T (p.Thr749Ile)

Gene: IGF1R (insulin like growth factor 1 receptor; plus strand). Cytogenetic location: 15q26.3.
Variant type: single nucleotide variant.
Coding change: c.2246C>T on transcript NM_000875.5 (MANE Select); coding-DNA position 2246, C replaced by T.
Protein change: p.Thr749Ile; replaces threonine 749 with isoleucine.
Molecular consequence: missense variant.
Genome position (GRCh38, 1-based): chr15:98,922,192, C>T. VCF-style: chr15-98922192-C-T. GRCh37 (hg19) VCF-style: chr15-99465421-C-T.
Other names: c.2246C>T, p.Thr749Ile (NM_001291858.2); short protein forms T749I.
Identifiers: ClinVar variation 2831547 (VCV002831547.3), dbSNP rs2015518542, ClinGen allele CA393680640.